The following is an entry in ClinVar:

NM_004415.4(DSP):c.4455G>T (p.Arg1485Ser)

Gene: DSP (desmoplakin; plus strand). Cytogenetic location: 6p24.3.
Variant type: single nucleotide variant.
Coding change: c.4455G>T on transcript NM_004415.4 (MANE Select); coding-DNA position 4455, G replaced by T.
Protein change: p.Arg1485Ser; replaces arginine 1485 with serine.
Molecular consequence: missense variant. On other transcripts: intron variant (2).
Genome position (GRCh38, 1-based): chr6:7,580,645, G>T. VCF-style: chr6-7580645-G-T. GRCh37 (hg19) VCF-style: chr6-7580878-G-T.
Other names: p.R1485S:AGG>AGT; c.4050+405G>T (NM_001319034.2); c.3582+873G>T (NM_001008844.3); short protein forms R1485S.
Identifiers: ClinVar variation 44908 (VCV000044908.41), dbSNP rs113902911, ClinGen allele CA004483.
Genomic context (GRCh38, chr6:7,580,645, plus strand): 5'-TAAGCAATCTCTTGATGATGCTGCCAAAACCATCCAGGATAAAAACAAGGAGATAGAAAG[G>T]TTAAAACAACTGATCGACAAAGAAACAAATGACCGGAAATGCCTGGAAGATGAAAACGCG-3'
Protein context (NP_004406.2, residues 1475-1495): TIQDKNKEIE[Arg1485Ser]LKQLIDKETN

ClinVar aggregate classification (germline): Benign/Likely benign. Review status: criteria provided, multiple submitters, no conflicts (2 of 4 stars). 16 submissions from 14 submitters: Benign (9); Likely benign (7). Last evaluated 2026-02-03.

Conditions:
Cardiovascular phenotype. Identifiers: MedGen CN230736.
Primary dilated cardiomyopathy (DCM). Also called: Dilated Cardiomyopathy. Identifiers: Orphanet 217604, MedGen C0007193, MeSH D002311, MONDO:0005021, HP:0001644. Inheritance: Various modes of inheritance.
Cardiomyopathy (CMYO). Also called: Cardiomyopathies. Identifiers: Orphanet 167848, MedGen C0878544, MONDO:0004994, HP:0001638. Inheritance: Various modes of inheritance.
Arrhythmogenic right ventricular cardiomyopathy (ARVD). Also called: Cardiomyopathy, ARVC; Arrhythmogenic Right Ventricular Cardiomyopathy (ARVC); Arrhythmogenic right ventricular dysplasia; Arrhythmogenic cardiomyopathy. Identifiers: Orphanet 247, MedGen C0349788, MeSH D019571, MONDO:0016587. Disease mechanism: loss of function. Inheritance: Various modes of inheritance.
Arrhythmogenic cardiomyopathy with wooly hair and keratoderma. Also called: PALMOPLANTAR KERATODERMA WITH LEFT VENTRICULAR CARDIOMYOPATHY AND WOOLLY HAIR; Arrhythmogenic cardiomyopathy with woolly hair and keratoderma; Dilated cardiomyopathy with woolly hair and keratoderma; Carvajal syndrome. Identifiers: Orphanet 65282, MedGen C1854063, MONDO:0011581, OMIM 605676.
Arrhythmogenic right ventricular dysplasia 8 (ARVD8). Also called: Arrhythmogenic Right Ventricular Dysplasia/Cardiomyopathy 8; ARRHYTHMOGENIC RIGHT VENTRICULAR DYSPLASIA, FAMILIAL, 8; ARRHYTHMOGENIC RIGHT VENTRICULAR CARDIOMYOPATHY 8. Identifiers: MedGen C1843896, MONDO:0011831, OMIM 607450.
Lethal acantholytic epidermolysis bullosa (EBLA). Identifiers: Orphanet 158687, MedGen C1864826, MONDO:0012323, OMIM 609638.
Woolly hair-skin fragility syndrome (WHSF). Identifiers: Orphanet 293165, MedGen C1843292, MONDO:0957307, OMIM 620415.

Allele frequency attached by ClinVar (database versions not stated): gnomAD exomes 0.00054 and 0.00146; ExAC 0.00175; 1000 Genomes Project 0.00479; gnomAD 0.00524 and 0.00572; 1000 Genomes Project 30x 0.00531; TOPMed 0.00626; ESP Exome Variant Server 0.00677.
gnomAD v4.1: 1,605 of 1,613,988 alleles (0.099%); highest among the groups gnomAD compares: African/African-American, 1.9%; 13 homozygotes.

Submissions (16):

Labcorp Genetics (formerly Invitae), Labcorp
Classification: Benign for Arrhythmogenic cardiomyopathy with wooly hair and keratoderma; Arrhythmogenic right ventricular dysplasia 8. Last evaluated: 2026-02-03. Review status: criteria provided, single submitter. Criteria: Invitae Variant Classification Sherloc (09022015). Collection method: clinical testing. Allele origin: germline.

ARUP Laboratories, Molecular Genetics and Genomics, ARUP Laboratories
Classification: Likely benign. Last evaluated: 2025-04-02. Review status: criteria provided, single submitter. Criteria: ARUP Molecular Germline Variant Investigation Process 2024. Collection method: clinical testing. Allele origin: germline.

Blueprint Genetics
Classification: Likely benign. Last evaluated: 2024-09-11. Review status: criteria provided, single submitter. Criteria: ACMG Guidelines, 2015. Collection method: clinical testing. Allele origin: germline.

Center for Advanced Laboratory Medicine, UC San Diego Health, University of California San Diego
Classification: Likely benign for Dilated cardiomyopathy; Cardiomyopathy. Last evaluated: 2018-07-13. Review status: criteria provided, single submitter. Criteria: ACMG Guidelines, 2015. Collection method: clinical testing. Allele origin: germline. Affected: yes. Observed: 2 variant alleles.

Color Diagnostics, LLC DBA Color Health
Classification: Benign for Cardiomyopathy. Last evaluated: 2018-03-08. Review status: criteria provided, single submitter. Criteria: ACMG Guidelines, 2015. Collection method: clinical testing. Allele origin: germline.

Illumina Laboratory Services, Illumina
Classification: Benign for Lethal acantholytic epidermolysis bullosa. Last evaluated: 2018-01-13. Review status: criteria provided, single submitter. Criteria: ICSL Variant Classification Criteria 13 December 2019. Collection method: clinical testing. Allele origin: germline.
Comment: This variant was observed in the ICSL laboratory as part of a predisposition screen in an ostensibly healthy population. It had not been previously curated by ICSL or reported in the Human Gene Mutation Database (HGMD: prior to June 1st, 2018), and was therefore a candidate for classification through an automated scoring system. Utilizing variant allele frequency, disease prevalence and penetrance estimates, and inheritance mode, an automated score was calculated to assess if this variant is too frequent to cause the disease. Based on the score and internal cut-off values, a variant classified as benign is not then subjected to further curation. The score for this variant resulted in a classification of benign for this disease.

Illumina Laboratory Services, Illumina
Classification: Likely benign for Arrhythmogenic right ventricular dysplasia 8. Last evaluated: 2018-01-13. Review status: criteria provided, single submitter. Criteria: ICSL Variant Classification Criteria 13 December 2019. Collection method: clinical testing. Allele origin: germline.
Comment: This variant was observed in the ICSL laboratory as part of a predisposition screen in an ostensibly healthy population. It had not been previously curated by ICSL or reported in the Human Gene Mutation Database (HGMD: prior to June 1st, 2018), and was therefore a candidate for classification through an automated scoring system. Utilizing variant allele frequency, disease prevalence and penetrance estimates, and inheritance mode, an automated score was calculated to assess if this variant is too frequent to cause the disease. Based on the score and internal cut-off values, a variant classified as likely benign is not then subjected to further curation. The score for this variant resulted in a classification of likely benign for this disease.

Illumina Laboratory Services, Illumina
Classification: Benign for Arrhythmogenic cardiomyopathy with wooly hair and keratoderma. Last evaluated: 2018-01-13. Review status: criteria provided, single submitter. Criteria: ICSL Variant Classification Criteria 13 December 2019. Collection method: clinical testing. Allele origin: germline.
Comment: the same text as in the submission from Illumina Laboratory Services, Illumina above.

Mayo Clinic Laboratories, Mayo Clinic
Classification: Benign. Last evaluated: 2016-02-18. Review status: criteria provided, single submitter. Criteria: ACMG Guidelines, 2015. Collection method: clinical testing. Allele origin: germline. Observed: 10 variant alleles.

CHEO Genetics Diagnostic Laboratory, Children's Hospital of Eastern Ontario
Classification: Likely benign for Cardiomyopathy. Last evaluated: 2015-11-04. Review status: criteria provided, single submitter. Criteria: ACMG Guidelines, 2015. Collection method: clinical testing. Allele origin: germline. Study: Canadian Open Genetics Repository.

Ambry Genetics
Classification: Benign for Cardiovascular phenotype. Last evaluated: 2015-10-01. Review status: criteria provided, single submitter. Criteria: Ambry Variant Classification Scheme 2023. Collection method: clinical testing. Allele origin: germline.

Genomic Diagnostic Laboratory, Division of Genomic Diagnostics, Children's Hospital of Philadelphia
Classification: Likely benign for Arrhythmogenic right ventricular cardiomyopathy. Last evaluated: 2015-02-05. Review status: criteria provided, single submitter. Criteria: DGD Variant Analysis Guidelines. Collection method: clinical testing. Allele origin: unknown.

GeneDx
Classification: Benign. Last evaluated: 2014-03-27. Review status: criteria provided, single submitter. Criteria: GeneDx Variant Classification (06012015). Collection method: clinical testing. Allele origin: germline. Affected: yes.
Comment: This variant is considered likely benign or benign based on one or more of the following criteria: it is a conservative change, it occurs at a poorly conserved position in the protein, it is predicted to be benign by multiple in silico algorithms, and/or has population frequency not consistent with disease.

Laboratory for Molecular Medicine, Mass General Brigham Personalized Medicine
Classification: Benign. Last evaluated: 2012-03-19. Review status: criteria provided, single submitter. Criteria: LMM Criteria. Collection method: clinical testing. Allele origin: germline. Observed: 8 variant alleles.
Comment: p.Arg1485Ser in Exon 23 of DSP: This variant is not expected to have clinical si gnificance because it has been identified in 2.0% (76/3738) of African American chromosomes from a broad population by the NHLBI Exome Sequencing Project (dbSNP rs113902911).

Breakthrough Genomics
Classification: Likely benign. Review status: criteria provided, single submitter. Criteria: ACMG Guidelines, 2015. Collection method: not provided. Allele origin: germline. Inheritance: Autosomal recessive inheritance. Affected: yes.

Molecular Diagnostic Laboratory for Inherited Cardiovascular Disease, Montreal Heart Institute
Classification: Benign. Review status: criteria provided, single submitter. Criteria: ACMG Guidelines, 2015. Collection method: clinical testing. Allele origin: germline. Affected: yes.